The following is an entry in ClinVar:

ClinVar aggregate classification (germline): Uncertain significance (1 of 4 stars; one submission).

Conditions:
Polyglandular autoimmune syndrome, type 1 (APS1). Also called: APS I; AUTOIMMUNE POLYENDOCRINE SYNDROME, TYPE I, WITH OR WITHOUT REVERSIBLE METAPHYSEAL DYSPLASIA; Whitaker syndrome; Autoimmune polyendocrine syndrome type 1; HYPOADRENOCORTICISM WITH HYPOPARATHYROIDISM AND SUPERFICIAL MONILIASIS; Autoimmune polyendocrinopathy syndrome, type I. Identifiers: Orphanet 3453, MedGen C0085859, MONDO:0009411, OMIM 240300.

Submission:

Labcorp Genetics (formerly Invitae), Labcorp
Classification: Uncertain significance for Polyglandular autoimmune syndrome, type 1. Last evaluated: 2022-03-13. Review status: criteria provided, single submitter. Criteria: Invitae Variant Classification Sherloc (09022015). Collection method: clinical testing. Allele origin: germline.
Comment: This sequence change affects codon 365 of the AIRE mRNA. It is a 'silent' change, meaning that it does not change the encoded amino acid sequence of the AIRE protein. This variant also falls at the last nucleotide of exon 9, which is part of the consensus splice site for this exon. Information on the frequency of this variant in the gnomAD database is not available, as this variant may be reported differently in the database. This variant has not been reported in the literature in individuals affected with AIRE-related conditions. Algorithms developed to predict the effect of missense changes on protein structure and function are either unavailable or do not agree on the potential impact of this missense change (SIFT: "Not Available"; PolyPhen-2: "Benign"; Align-GVGD: "Not Available"). Variants that disrupt the consensus splice site are a relatively common cause of aberrant splicing (PMID: 17576681, 9536098). Algorithms developed to predict the effect of sequence changes on RNA splicing suggest that this variant may disrupt the consensus splice site. In summary, the available evidence is currently insufficient to determine the role of this variant in disease. Therefore, it has been classified as a Variant of Uncertain Significance.

Literature cited by the submitters: PubMed 17576681; PubMed 9536098.

NM_000383.4(AIRE):c.1094_1095delinsTC (p.Pro365Leu)

Gene: AIRE (autoimmune regulator; plus strand). Cytogenetic location: 21q22.3.
Variant type: Indel.
Coding change: c.1094_1095delinsTC on transcript NM_000383.4 (MANE Select); coding-DNA positions 1094 to 1095, CG replaced by TC.
Protein change: p.Pro365Leu; replaces proline 365 with leucine.
Molecular consequence: missense variant.
Genome position (GRCh38, 1-based): chr21:44,292,400-44,292,401, CG replaced by TC. VCF-style: chr21-44292400-CG-TC. GRCh37 (hg19) VCF-style: chr21-45712283-CG-TC.
Other names: short protein forms P365L.
Identifiers: ClinVar variation 1933702 (VCV001933702.2), dbSNP rs2517883607, ClinGen allele CA2580098816.